The following is an entry in ClinVar:

ClinVar aggregate classification (germline): Uncertain significance (1 of 4 stars; one submission).

Allele frequency attached by ClinVar (database versions not stated): gnomAD exomes below 0.00001; TOPMed below 0.00001.
gnomAD v4.1: 1 of 1,613,808 alleles (0.000062%); highest among the groups gnomAD compares: Admixed American, 0.0017%; no homozygotes.

Submission:

Labcorp Genetics (formerly Invitae), Labcorp
Classification: Uncertain significance. Last evaluated: 2023-08-04. Review status: criteria provided, single submitter. Criteria: Invitae Variant Classification Sherloc (09022015). Collection method: clinical testing. Allele origin: germline.
Comment: This variant has not been reported in the literature in individuals affected with COQ8A-related conditions. This variant is present in population databases (no rsID available, gnomAD 0.003%). In summary, the available evidence is currently insufficient to determine the role of this variant in disease. Therefore, it has been classified as a Variant of Uncertain Significance. Advanced modeling of protein sequence and biophysical properties (such as structural, functional, and spatial information, amino acid conservation, physicochemical variation, residue mobility, and thermodynamic stability) has been performed at Invitae for this missense variant, however the output from this modeling did not meet the statistical confidence thresholds required to predict the impact of this variant on COQ8A protein function. ClinVar contains an entry for this variant (Variation ID: 1348169). This sequence change replaces glutamic acid, which is acidic and polar, with aspartic acid, which is acidic and polar, at codon 543 of the COQ8A protein (p.Glu543Asp).

NM_020247.5(COQ8A):c.1629G>T (p.Glu543Asp)

Gene: COQ8A (coenzyme Q8A; plus strand). Cytogenetic location: 1q42.13.
Variant type: single nucleotide variant.
Coding change: c.1629G>T on transcript NM_020247.5 (MANE Select); coding-DNA position 1629, G replaced by T.
Protein change: p.Glu543Asp; replaces glutamic acid 543 with aspartic acid.
Molecular consequence: missense variant.
Genome position (GRCh38, 1-based): chr1:226,985,310, G>T. VCF-style: chr1-226985310-G-T. GRCh37 (hg19) VCF-style: chr1-227173011-G-T.
Other names: short protein forms E543D.
Identifiers: ClinVar variation 1348169 (VCV001348169.8), dbSNP rs1282252939, ClinGen allele CA345056104.